The following is an entry in ClinVar:

NM_001305581.2(LRMDA):c.236C>T (p.Thr79Ile)

Genes: LRMDA (leucine rich melanocyte differentiation associated; plus strand), LOC110121427 (VISTA enhancer hs1679; plus strand). Cytogenetic location: 10q22.3.
Variant type: single nucleotide variant.
Coding change: c.236C>T on transcript NM_001305581.2 (MANE Select); coding-DNA position 236, C replaced by T.
Protein change: p.Thr79Ile; replaces threonine 79 with isoleucine.
Molecular consequence: missense variant. On other transcripts: non-coding transcript variant (1).
Genome position (GRCh38, 1-based): chr10:76,036,112, C>T. VCF-style: chr10-76036112-C-T. GRCh37 (hg19) VCF-style: chr10-77795870-C-T.
Other names: c.152C>T, p.Thr51Ile (NM_032024.5); short protein forms T51I, T79I.
Identifiers: ClinVar variation 2041449 (VCV002041449.2), dbSNP rs528847009, ClinGen allele CA5567546.

ClinVar aggregate classification (germline): Uncertain significance. Review status: criteria provided, multiple submitters, no conflicts (2 of 4 stars). 2 submissions from 2 submitters: Uncertain significance (2). Last evaluated 2024-10-16.

Allele frequency attached by ClinVar (database versions not stated): gnomAD exomes 0.00003; gnomAD 0.00007; TOPMed 0.00008; ExAC 0.00012; 1000 Genomes Project 0.00020; 1000 Genomes Project 30x 0.00031.
gnomAD v4.1: 73 of 1,613,904 alleles (0.0045%); highest among the groups gnomAD compares: Admixed American, 0.062%; no homozygotes.

Submissions (2):

Blueprint Genetics
Classification: Uncertain significance. Last evaluated: 2024-10-16. Review status: criteria provided, single submitter. Criteria: ACMG Guidelines, 2015. Collection method: clinical testing. Allele origin: germline.

Labcorp Genetics (formerly Invitae), Labcorp
Classification: Uncertain significance. Last evaluated: 2022-08-22. Review status: criteria provided, single submitter. Criteria: Invitae Variant Classification Sherloc (09022015). Collection method: clinical testing. Allele origin: germline.
Comment: This sequence change replaces threonine, which is neutral and polar, with isoleucine, which is neutral and non-polar, at codon 51 of the C10orf11 protein (p.Thr51Ile). This variant is present in population databases (rs528847009, gnomAD 0.07%). This variant has not been reported in the literature in individuals affected with C10orf11-related conditions. Algorithms developed to predict the effect of missense changes on protein structure and function are either unavailable or do not agree on the potential impact of this missense change (SIFT: "Tolerated"; PolyPhen-2: "Possibly Damaging"; Align-GVGD: "Class C0"). In summary, the available evidence is currently insufficient to determine the role of this variant in disease. Therefore, it has been classified as a Variant of Uncertain Significance.